The following is an entry in ClinVar:

GRCh37/hg19 13q21.2-21.31(chr13:61660181-63785757)x3

Gene: PCDH20 (protocadherin 20; minus strand). Cytogenetic location: 13q21.2-21.31.
Variant type: copy number gain.
Change: copy number 3 (three copies instead of two) of chr13:61,660,181-63,785,757 (2.13 Mb, GRCh37 coordinates, 1-based), cytogenetic band 13q21.2-21.31.
Identifiers: ClinVar variation 443642 (VCV000443642.2).

ClinVar aggregate classification (germline): conflicting data from submitters (0 of 4 stars; one submission).

Submission:

ISCA site 1
Classification: conflicting data from submitters. Last evaluated: 2016-03-10. Review status: no assertion criteria provided. Collection method: clinical testing. Allele origin: paternal, unknown. Affected: yes. Observed: 2 variant alleles.
Comment: Uncertain significance(1), Likely benign (1)

Copy number variation identified through the course of routine clinical cytogenomic testing in postnatal populations, with clinical assertions as classified by the original submitter. For data from the original published study, Kaminsky, et al. 2011 (PubMed 21844811), please see nstd101.